The following is an entry in ClinVar:

ClinVar aggregate classification (germline): Uncertain significance (1 of 4 stars; one submission).

Allele frequency attached by ClinVar (database versions not stated): ExAC 0.00001; gnomAD exomes 0.00001.
gnomAD v4.1: 3 of 1,614,118 alleles (0.00019%); highest among the groups gnomAD compares: Non-Finnish European, 0.00025%; no homozygotes.

Submission:

Ambry Genetics
Classification: Uncertain significance. Last evaluated: 2024-06-23. Review status: criteria provided, single submitter. Criteria: Ambry Variant Classification Scheme 2023. Collection method: clinical testing. Allele origin: germline.
Comment: The p.I1332T variant (also known as c.3995T>C), located in coding exon 16 of the POLQ gene, results from a T to C substitution at nucleotide position 3995. The isoleucine at codon 1332 is replaced by threonine, an amino acid with similar properties. This amino acid position is conserved. In addition, the in silico prediction for this alteration is inconclusive. Since supporting evidence is limited at this time, the clinical significance of this alteration remains unclear.

NM_199420.4(POLQ):c.3995T>C (p.Ile1332Thr)

Gene: POLQ (DNA polymerase theta; minus strand). Cytogenetic location: 3q13.33.
Variant type: single nucleotide variant.
Coding change: c.3995T>C on transcript NM_199420.4 (MANE Select); coding-DNA position 3995, T replaced by C.
Protein change: p.Ile1332Thr; replaces isoleucine 1332 with threonine.
Molecular consequence: missense variant.
Genome position (GRCh38, 1-based): chr3:121,488,936, A>G on the plus strand (T>C on the coding strand, the complement: POLQ is on the minus strand). VCF-style: chr3-121488936-A-G. GRCh37 (hg19) VCF-style: chr3-121207783-A-G.
Other names: short protein forms I1332T.
Identifiers: ClinVar variation 1736794 (VCV001736794.3), dbSNP rs764440273, ClinGen allele CA2562973.
Genomic context (GRCh38, chr3:121,488,936, plus strand): 5'-CCTGCTGCCAGGTTGGTGTCCTTTGCTCCTAGTTTGGCATTTTCAGTTGCCATCTGTTGT[A>G]TTATTTTCTCTGACTGAGTATCCAGATAGAAACTATCTTCAAAATCACAGAGGACTAAAC-3'
Protein context (NP_955452.3, residues 1322-1342): FYLDTQSEKI[Ile1332Thr]QQMATENAKL